The following is an entry in ClinVar:

ClinVar aggregate classification (germline): Pathogenic (1 of 4 stars; one submission).

Conditions:
Arrhythmogenic right ventricular dysplasia 8 (ARVD8). Also called: ARRHYTHMOGENIC RIGHT VENTRICULAR DYSPLASIA, FAMILIAL, 8; ARRHYTHMOGENIC RIGHT VENTRICULAR CARDIOMYOPATHY 8; Arrhythmogenic Right Ventricular Dysplasia/Cardiomyopathy 8. Identifiers: MedGen C1843896, MONDO:0011831, OMIM 607450.
Arrhythmogenic cardiomyopathy with wooly hair and keratoderma. Also called: Carvajal syndrome; Dilated cardiomyopathy with woolly hair and keratoderma; PALMOPLANTAR KERATODERMA WITH LEFT VENTRICULAR CARDIOMYOPATHY AND WOOLLY HAIR; Arrhythmogenic cardiomyopathy with woolly hair and keratoderma. Identifiers: Orphanet 65282, MedGen C1854063, MONDO:0011581, OMIM 605676.

Submission:

Labcorp Genetics (formerly Invitae), Labcorp
Classification: Pathogenic for Arrhythmogenic cardiomyopathy with wooly hair and keratoderma; Arrhythmogenic right ventricular dysplasia 8. Last evaluated: 2023-08-11. Review status: criteria provided, single submitter. Criteria: Invitae Variant Classification Sherloc (09022015). Collection method: clinical testing. Allele origin: germline.
Comment: For these reasons, this variant has been classified as Pathogenic. This sequence change creates a premature translational stop signal (p.Met571Alafs*13) in the DSP gene. It is expected to result in an absent or disrupted protein product. Loss-of-function variants in DSP are known to be pathogenic (PMID: 20716751, 24503780, 25227139). This variant is not present in population databases (gnomAD no frequency). This variant has not been reported in the literature in individuals affected with DSP-related conditions. ClinVar contains an entry for this variant (Variation ID: 1385837).

Literature cited by the submitters: PubMed 20716751; PubMed 24503780; PubMed 25227139.

NM_004415.4(DSP):c.1710_1711del (p.Met571fs)

Gene: DSP (desmoplakin; plus strand). Cytogenetic location: 6p24.3.
Variant type: Deletion.
Coding change: c.1710_1711del on transcript NM_004415.4 (MANE Select); coding-DNA positions 1710 to 1711, 2 bases deleted (AA; older notation c.1710_1711delAA).
Protein change: p.Met571fs; shifts the reading frame from methionine 571.
Molecular consequence: frameshift variant.
Genome position (GRCh38, 1-based): chr6:7,571,391-7,571,392, AA deleted. VCF-style (leftmost placement, unchanged base first): chr6-7571390-CAA-C. GRCh37 (hg19) VCF-style: chr6-7571623-CAA-C.
Other names: c.1710_1711del, p.Met571fs (NM_001008844.3, NM_001319034.2); short protein forms M571fs.
Identifiers: ClinVar variation 1385837 (VCV001385837.6), dbSNP rs2113678808, ClinGen allele CA2497029027.